The following is an entry in ClinVar:

NM_000219.6(KCNE1):c.384C>T (p.Ser128=)

Gene: KCNE1 (potassium voltage-gated channel subfamily E regulatory subunit 1; minus strand). Cytogenetic location: 21q22.12.
Variant type: single nucleotide variant.
Coding change: c.384C>T on transcript NM_000219.6 (MANE Select); coding-DNA position 384, C replaced by T.
Protein change: p.Ser128=; no amino-acid change (serine 128 retained).
Molecular consequence: synonymous variant.
Genome position (GRCh38, 1-based): chr21:34,449,251, G>A on the plus strand (C>T on the coding strand, the complement: KCNE1 is on the minus strand). VCF-style: chr21-34449251-G-A. GRCh37 (hg19) VCF-style: chr21-35821549-G-A.
Other names: c.384C>T, p.Ser128= (NM_001127668.4, NM_001127669.4, NM_001127670.4 and 4 more transcripts).
Identifiers: ClinVar variation 3373878 (VCV003373878.2).
Genomic context (GRCh38, chr21:34,449,251, plus strand): 5'-TTAGAAAATCAGGTTGCCAGGCAGGATGTGTCCAGTTTTAGCCAGTGGTGGGGTTCATGG[G>A]GAAGGCTTCGTCTCAGGAAGGTGTGTGTTGGGTTGTTCTATGGCCAGATGGTTTTCAACG-3'
Protein context (NP_000210.2, residues 118-129): PNTHLPETKP[Ser128=]P

Conditions:
Long QT syndrome 5 (LQT5). Identifiers: Orphanet 101016, Orphanet 768, MedGen C1867904, MONDO:0013372, OMIM 613695.

Submission:

Roden Lab, Vanderbilt University Medical Center
No classification provided (evidence only). Condition: Long QT syndrome 5. Review status: no classification provided. Collection method: in vitro. Allele origin: not applicable. Functional consequence: Effect on ion channel function.
ClinVar note: "not provided" was previously submitted as the classification for the variant. However, the classification appeared to be based only on an observation of functional data so it was converted to no classification on 2025-07-30.